The following is an entry in ClinVar:

ClinVar aggregate classification (germline): Uncertain significance (1 of 4 stars; one submission).

Conditions:
Hereditary cancer-predisposing syndrome. Also called: Neoplastic Syndromes, Hereditary; Tumor predisposition; Hereditary Cancer Syndrome; Hereditary neoplastic syndrome. Identifiers: Orphanet 140162, MedGen C0027672, MeSH D009386, MONDO:0015356.

Submission:

Ambry Genetics
Classification: Uncertain significance for Hereditary cancer-predisposing syndrome. Last evaluated: 2026-02-05. Review status: criteria provided, single submitter. Criteria: Ambry Variant Classification Scheme 2023. Collection method: clinical testing. Allele origin: germline.
Comment: The p.E587G variant (also known as c.1760A>G), located in coding exon 13 of the SDHA gene, results from an A to G substitution at nucleotide position 1760. The glutamic acid at codon 587 is replaced by glycine, an amino acid with similar properties. This amino acid position is conserved. In addition, this alteration is predicted to be deleterious by in silico analysis. Based on the available evidence, the clinical significance of this variant remains unclear.

NM_004168.4(SDHA):c.1760A>G (p.Glu587Gly)

Gene: SDHA (succinate dehydrogenase complex flavoprotein subunit A; plus strand). Cytogenetic location: 5p15.33.
Variant type: single nucleotide variant.
Coding change: c.1760A>G on transcript NM_004168.4 (MANE Select); coding-DNA position 1760, A replaced by G.
Protein change: p.Glu587Gly; replaces glutamic acid 587 with glycine.
Molecular consequence: missense variant. On other transcripts: intron variant (1).
Genome position (GRCh38, 1-based): chr5:251,434, A>G. VCF-style: chr5-251434-A-G. GRCh37 (hg19) VCF-style: chr5-251549-A-G.
Other names: c.1616A>G, p.Glu539Gly (NM_001294332.2); c.1552-2959A>G (NM_001330758.2); short protein forms E539G, E587G.
Identifiers: ClinVar variation 4546728 (VCV004546728.2).